The following is an entry in ClinVar:

NM_025000.4(DCAF17):c.537+1G>T

Gene: DCAF17 (DDB1 and CUL4 associated factor 17; plus strand). Cytogenetic location: 2q31.1.
Variant type: single nucleotide variant.
Coding change: c.537+1G>T on transcript NM_025000.4 (MANE Select); the canonical splice donor site of the intron after coding-DNA position 537, G replaced by T.
Molecular consequence: splice donor variant.
Genome position (GRCh38, 1-based): chr2:171,449,958, G>T. VCF-style: chr2-171449958-G-T. GRCh37 (hg19) VCF-style: chr2-172306468-G-T.
Other names: c.537+1G>T (NM_001164821.2).
Identifiers: ClinVar variation 2822133 (VCV002822133.3), dbSNP rs2529688102, ClinGen allele CA349277034.

ClinVar aggregate classification (germline): Likely pathogenic (1 of 4 stars; one submission).

Conditions:
Woodhouse-Sakati syndrome. Also called: Hypogonadism, Alopecia, Diabetes Mellitus, Mental Retardation, and Extrapyramidal Syndrome; Hypogonadism, diabetes mellitus, alopecia, mental retardation and electrocardiographic abnormalities; EXTRAPYRAMIDAL DISORDER, PROGRESSIVE, WITH PRIMARY HYPOGONADISM, MENTAL RETARDATION, AND ALOPECIA. Identifiers: Orphanet 3464, MedGen C0342286, MONDO:0009419, OMIM 241080.

Submission:

Labcorp Genetics (formerly Invitae), Labcorp
Classification: Likely pathogenic for Woodhouse-Sakati syndrome. Last evaluated: 2024-01-29. Review status: criteria provided, single submitter. Criteria: Invitae Variant Classification Sherloc (09022015). Collection method: clinical testing. Allele origin: germline.
Comment: This sequence change affects a donor splice site in intron 5 of the DCAF17 gene. It is expected to disrupt RNA splicing. Variants that disrupt the donor or acceptor splice site typically lead to a loss of protein function (PMID: 16199547), and loss-of-function variants in DCAF17 are known to be pathogenic (PMID: 19026396, 20507343). This variant is not present in population databases (gnomAD no frequency). This variant has not been reported in the literature in individuals affected with DCAF17-related conditions. Algorithms developed to predict the effect of sequence changes on RNA splicing suggest that this variant may disrupt the consensus splice site. In summary, the currently available evidence indicates that the variant is pathogenic, but additional data are needed to prove that conclusively. Therefore, this variant has been classified as Likely Pathogenic.

Literature cited by the submitters: PubMed 16199547; PubMed 19026396; PubMed 20507343.